The following is an entry in ClinVar:

NM_024675.4(PALB2):c.2752C>A (p.Pro918Thr)

Gene: PALB2 (partner and localizer of BRCA2; minus strand). Cytogenetic location: 16p12.2.
Variant type: single nucleotide variant.
Coding change: c.2752C>A on transcript NM_024675.4 (MANE Select); coding-DNA position 2752, C replaced by A.
Protein change: p.Pro918Thr; replaces proline 918 with threonine.
Molecular consequence: missense variant.
Genome position (GRCh38, 1-based): chr16:23,624,091, G>T on the plus strand (C>A on the coding strand, the complement: PALB2 is on the minus strand). VCF-style: chr16-23624091-G-T. GRCh37 (hg19) VCF-style: chr16-23635412-G-T.
Other names: short protein forms P918T.
Identifiers: ClinVar variation 645317 (VCV000645317.10), dbSNP rs515726094, ClinGen allele CA395145258.

ClinVar aggregate classification (germline): Uncertain significance. Review status: criteria provided, multiple submitters, no conflicts (2 of 4 stars). 2 submissions from 2 submitters: Uncertain significance (2). Last evaluated 2026-02-10.

Conditions:
Hereditary cancer-predisposing syndrome. Also called: Neoplastic Syndromes, Hereditary; Hereditary neoplastic syndrome; Tumor predisposition; Hereditary Cancer Syndrome. Identifiers: Orphanet 140162, MedGen C0027672, MeSH D009386, MONDO:0015356.
Familial cancer of breast. Also called: Hereditary breast cancer; BREAST CANCER, FAMILIAL; hereditary breast carcinoma. Identifiers: Orphanet 227535, MedGen C0346153, MONDO:0016419, OMIM 114480. Disease mechanism: loss of function.

Submissions (2):

Ambry Genetics
Classification: Uncertain significance for Hereditary cancer-predisposing syndrome. Last evaluated: 2026-02-10. Review status: criteria provided, single submitter. Criteria: Ambry Variant Classification Scheme 2023. Collection method: clinical testing. Allele origin: germline.
Comment: The p.P918T variant (also known as c.2752C>A), located in coding exon 8 of the PALB2 gene, results from a C to A substitution at nucleotide position 2752. The proline at codon 918 is replaced by threonine, an amino acid with highly similar properties. This amino acid position is highly conserved in available vertebrate species. In addition, the in silico prediction for this alteration is inconclusive. Based on the available evidence, the clinical significance of this variant remains unclear.

Labcorp Genetics (formerly Invitae), Labcorp
Classification: Uncertain significance for Familial cancer of breast. Last evaluated: 2018-12-16. Review status: criteria provided, single submitter. Criteria: Invitae Variant Classification Sherloc (09022015). Collection method: clinical testing. Allele origin: germline.
Comment: In summary, the available evidence is currently insufficient to determine the role of this variant in disease. Therefore, it has been classified as a Variant of Uncertain Significance. Algorithms developed to predict the effect of missense changes on protein structure and function are either unavailable or do not agree on the potential impact of this missense change (SIFT: "Deleterious"; PolyPhen-2: "Probably Damaging"; Align-GVGD: "Class C0"). This variant has not been reported in the literature in individuals with PALB2-related conditions. This variant is not present in population databases (ExAC no frequency). This sequence change replaces proline with threonine at codon 918 of the PALB2 protein (p.Pro918Thr). The proline residue is highly conserved and there is a small physicochemical difference between proline and threonine.